The following is an entry in ClinVar:

ClinVar aggregate classification (germline): Uncertain significance. Review status: criteria provided, multiple submitters, no conflicts (2 of 4 stars). 2 submissions from 2 submitters: Uncertain significance (2). Last evaluated 2025-12-15.

Conditions:
Long QT syndrome (LQTS). Identifiers: MedGen C0023976, MeSH D008133, MONDO:0002442. Disease mechanism: loss of function. Inheritance: Various modes of inheritance.
Cardiovascular phenotype. Identifiers: MedGen CN230736.

Submissions (2):

Labcorp Genetics (formerly Invitae), Labcorp
Classification: Uncertain significance for Long QT syndrome. Last evaluated: 2025-12-15. Review status: criteria provided, single submitter. Criteria: Invitae Variant Classification Sherloc (09022015). Collection method: clinical testing. Allele origin: germline.
Comment: This sequence change replaces alanine, which is neutral and non-polar, with valine, which is neutral and non-polar, at codon 440 of the SNTA1 protein (p.Ala440Val). This variant is present in population databases (no rsID available, gnomAD 0.0009%). This variant has not been reported in the literature in individuals affected with SNTA1-related conditions. ClinVar contains an entry for this variant (Variation ID: 3223111). Invitae Evidence Modeling of protein sequence and biophysical properties (such as structural, functional, and spatial information, amino acid conservation, physicochemical variation, residue mobility, and thermodynamic stability) indicates that this missense variant is not expected to disrupt SNTA1 protein function with a negative predictive value of 80%. In summary, the available evidence is currently insufficient to determine the role of this variant in disease. Therefore, it has been classified as a Variant of Uncertain Significance.

Ambry Genetics
Classification: Uncertain significance for Cardiovascular phenotype. Last evaluated: 2023-11-12. Review status: criteria provided, single submitter. Criteria: Ambry Variant Classification Scheme 2023. Collection method: clinical testing. Allele origin: germline.
Comment: The p.A440V variant (also known as c.1319C>T), located in coding exon 7 of the SNTA1 gene, results from a C to T substitution at nucleotide position 1319. The alanine at codon 440 is replaced by valine, an amino acid with similar properties. This amino acid position is conserved. In addition, this alteration is predicted to be tolerated by in silico analysis. Since supporting evidence is limited at this time, the clinical significance of this alteration remains unclear.

NM_003098.3(SNTA1):c.1319C>T (p.Ala440Val)

Gene: SNTA1 (syntrophin alpha 1; minus strand). Cytogenetic location: 20q11.21.
Variant type: single nucleotide variant.
Coding change: c.1319C>T on transcript NM_003098.3 (MANE Select); coding-DNA position 1319, C replaced by T.
Protein change: p.Ala440Val; replaces alanine 440 with valine.
Molecular consequence: missense variant. On other transcripts: nonsense (1).
Genome position (GRCh38, 1-based): chr20:33,408,807, G>A on the plus strand (C>T on the coding strand, the complement: SNTA1 is on the minus strand). VCF-style: chr20-33408807-G-A. GRCh37 (hg19) VCF-style: chr20-31996613-G-A.
Other names: c.1319C>T, p.Ala440Val (NM_001424413.1); c.1351C>T, p.Gln451Ter (NM_001424414.1); short protein forms A440V, Q451*.
Identifiers: ClinVar variation 3223111 (VCV003223111.2), dbSNP rs1464994264, ClinGen allele CA408630288.
Genomic context (GRCh38, chr20:33,408,807, plus strand): 5'-CCGTCATCTGAAGACATCTGCAGCTTCTCGAAGGGCTGTCGCAGGAGCACAGCTCGGGCT[G>A]CACCTGGCTCAGCCGCCCACAGTGTGAAGCCCTTGTCGATGTGCACAGACAGGCTGCAGG-3'
Protein context (NP_003089.1, residues 430-450): GFTLWAAEPG[Ala440Val]ARAVLLRQPF